The following is an entry in ClinVar:

NM_000138.5(FBN1):c.914C>T (p.Thr305Ile)

Gene: FBN1 (fibrillin 1; minus strand). Cytogenetic location: 15q21.1.
Variant type: single nucleotide variant.
Coding change: c.914C>T on transcript NM_000138.5 (MANE Select); coding-DNA position 914, C replaced by T.
Protein change: p.Thr305Ile; replaces threonine 305 with isoleucine.
Molecular consequence: missense variant.
Genome position (GRCh38, 1-based): chr15:48,526,204, G>A on the plus strand (C>T on the coding strand, the complement: FBN1 is on the minus strand). VCF-style: chr15-48526204-G-A. GRCh37 (hg19) VCF-style: chr15-48818401-G-A.
Other names: c.914C>T, p.Thr305Ile (NM_001406716.1); short protein forms T305I.
Identifiers: ClinVar variation 3751643 (VCV003751643.2).

ClinVar aggregate classification (germline): Uncertain significance (1 of 4 stars; one submission).

Conditions:
Marfan syndrome (MFS). Also called: MARFAN SYNDROME, TYPE I; Marfan syndrome type 1; Marfan's syndrome; Marfan syndrome, classic; FBN1-Related Marfan Syndrome. Identifiers: Orphanet 284963, Orphanet 558, MedGen C0024796, MONDO:0007947, OMIM 154700.
Familial thoracic aortic aneurysm and aortic dissection (TAAD). Also called: Thoracic aortic aneurysms and dissections. Identifiers: Orphanet 91387, MedGen C4707243, MONDO:0019625.

gnomAD v4.1: 2 of 1,613,972 alleles (0.00012%); highest among the groups gnomAD compares: South Asian, 0.0022%; no homozygotes.

Submission:

Labcorp Genetics (formerly Invitae), Labcorp
Classification: Uncertain significance for Marfan syndrome; Familial thoracic aortic aneurysm and aortic dissection. Last evaluated: 2024-03-15. Review status: criteria provided, single submitter. Criteria: Invitae Variant Classification Sherloc (09022015). Collection method: clinical testing. Allele origin: germline.
Comment: This sequence change replaces threonine, which is neutral and polar, with isoleucine, which is neutral and non-polar, at codon 305 of the FBN1 protein (p.Thr305Ile). This variant is not present in population databases (gnomAD no frequency). This variant has not been reported in the literature in individuals affected with FBN1-related conditions. Advanced modeling of protein sequence and biophysical properties (such as structural, functional, and spatial information, amino acid conservation, physicochemical variation, residue mobility, and thermodynamic stability) performed at Invitae indicates that this missense variant is not expected to disrupt FBN1 protein function with a negative predictive value of 95%. In summary, the available evidence is currently insufficient to determine the role of this variant in disease. Therefore, it has been classified as a Variant of Uncertain Significance.